The following is an entry in ClinVar:

ClinVar aggregate classification (germline): Uncertain significance. Review status: criteria provided, single submitter (1 of 4 stars). 2 submissions from 2 submitters: Uncertain significance (1). 1 of the submissions does not count toward it. Last evaluated 2026-06-12.

Conditions:
KMT2B-related disorder. Also called: KMT2B-related disorders; KMT2B-related condition. Identifiers: MedGen CN381338.
Inborn genetic diseases. Identifiers: MedGen C0950123, MeSH D030342.

Submissions (2):

Ambry Genetics
Classification: Uncertain significance for Inborn genetic diseases. Last evaluated: 2026-06-12. Review status: criteria provided, single submitter. Criteria: Ambry Variant Classification Scheme 2023. Collection method: clinical testing. Allele origin: germline.

PreventionGenetics, part of Exact Sciences
Classification: Uncertain significance for KMT2B-related condition. Last evaluated: 2024-09-10. Review status: no assertion criteria provided. Collection method: clinical testing. Allele origin: germline. Not counted in ClinVar's aggregate classification.
Comment: The KMT2B c.11C>A variant is predicted to result in the amino acid substitution p.Ala4Glu. To our knowledge, this variant has not been reported in the literature or in a large population database, indicating this variant is rare. At this time, the clinical significance of this variant is uncertain due to the absence of conclusive functional and genetic evidence.

NM_014727.3(KMT2B):c.11C>A (p.Ala4Glu)

Gene: KMT2B (lysine methyltransferase 2B; plus strand). Cytogenetic location: 19q13.12.
Variant type: single nucleotide variant.
Coding change: c.11C>A on transcript NM_014727.3 (MANE Select); coding-DNA position 11, C replaced by A.
Protein change: p.Ala4Glu; replaces alanine 4 with glutamic acid.
Molecular consequence: missense variant.
Genome position (GRCh38, 1-based): chr19:35,718,029, C>A. VCF-style: chr19-35718029-C-A. GRCh37 (hg19) VCF-style: chr19-36208931-C-A.
Other names: c.11C>A (NM_014727.1); short protein forms A4E.
Identifiers: ClinVar variation 3346007 (VCV003346007.2).
Genomic context (GRCh38, chr19:35,718,029, plus strand): 5'-GCACGGGCCGCCCCTCCCCCCGCCTCCCCGGCCCCTCTCACGGTGCCAAGATGGCGGCGG[C>A]GGCGGGCGGCGGCAGTTGCCCCGGGCCTGGCTCCGCGCGGGGCCGCTTCCCGGGCCGGCC-3'
Protein context (NP_055542.1, residues 1-14): MAA[Ala4Glu]AGGGSCPGPG